The following is an entry in ClinVar:

ClinVar aggregate classification (germline): Pathogenic/Likely pathogenic. Review status: criteria provided, multiple submitters, no conflicts (2 of 4 stars). 2 submissions from 2 submitters: Pathogenic (1); Likely pathogenic (1). Last evaluated 2025-02-02.

Conditions:
Neurofibromatosis, type 1 (NF1). Also called: VON RECKLINGHAUSEN DISEASE; Neurofibromatosis, type I; NEUROFIBROMATOSIS, TYPE I, SOMATIC; Peripheral type neurofibromatosis. Identifiers: Orphanet 636, MedGen C0027831, MONDO:0018975, OMIM 162200. Disease mechanism: loss of function.

Submissions (2):

Labcorp Genetics (formerly Invitae), Labcorp
Classification: Pathogenic for Neurofibromatosis, type 1. Last evaluated: 2025-02-02. Review status: criteria provided, single submitter. Criteria: Invitae Variant Classification Sherloc (09022015). Collection method: clinical testing. Allele origin: germline.
Comment: This sequence change creates a premature translational stop signal (p.Tyr1106*) in the NF1 gene. It is expected to result in an absent or disrupted protein product. Loss-of-function variants in NF1 are known to be pathogenic (PMID: 10712197, 23913538). This variant is not present in population databases (gnomAD no frequency). This variant has not been reported in the literature in individuals affected with NF1-related conditions. For these reasons, this variant has been classified as Pathogenic.

3billion
Classification: Likely pathogenic for Neurofibromatosis, type 1. Last evaluated: 2024-09-29. Review status: criteria provided, single submitter. Criteria: ACMG Guidelines, 2015. Collection method: clinical testing. Allele origin: germline. Affected: yes.
Comment: The variant is not observed in the gnomAD v4.1.0 dataset. Predicted Consequence/Location: Stop-gained (nonsense): predicted to result in a loss or disruption of normal protein function through nonsense-mediated decay (NMD) or protein truncation. Multiple pathogenic variants are reported downstream of the variant. Therefore, this variant is classified as Likely pathogenic according to the recommendation of ACMG/AMP guideline.

Literature cited by the submitters: PubMed 10712197 (cited by Labcorp Genetics (formerly Invitae), Labcorp); PubMed 23913538 (cited by Labcorp Genetics (formerly Invitae), Labcorp).

NM_001042492.3(NF1):c.3317dup (p.Tyr1106Ter)

Gene: NF1 (neurofibromin 1; plus strand). Cytogenetic location: 17q11.2.
Variant type: Duplication.
Coding change: c.3317dup on transcript NM_001042492.3 (MANE Select); coding-DNA position 3317, one base duplicated (A; older notation c.3317dupA).
Protein change: p.Tyr1106Ter; replaces tyrosine 1106 with a stop codon.
Molecular consequence: nonsense.
Genome position (GRCh38, 1-based): chr17:31,232,702, A duplicated. VCF-style (leftmost placement, unchanged base first): chr17-31232701-T-TA. GRCh37 (hg19) VCF-style: chr17-29559719-T-TA.
Other names: c.3317dup, p.Tyr1106Ter (NM_000267.4); short protein forms Y1106*.
Identifiers: ClinVar variation 4292076 (VCV004292076.2).